The following is an entry in ClinVar:

NM_001079802.2(FKTN):c.109G>A (p.Gly37Arg)

Gene: FKTN (fukutin; plus strand). Cytogenetic location: 9q31.2.
Variant type: single nucleotide variant.
Coding change: c.109G>A on transcript NM_001079802.2 (MANE Select); coding-DNA position 109, G replaced by A.
Protein change: p.Gly37Arg; replaces glycine 37 with arginine.
Molecular consequence: missense variant. On other transcripts: 5 prime UTR variant (5), non-coding transcript variant (2).
Genome position (GRCh38, 1-based): chr9:105,596,601, G>A. VCF-style: chr9-105596601-G-A. GRCh37 (hg19) VCF-style: chr9-108358882-G-A.
Other names: c.109G>A, p.Gly37Arg (NM_001198963.2, NM_001351496.2, NM_001351498.2 and 1 more transcripts); c.-59G>A (NM_001351497.2); c.-406G>A (NM_001351499.2, NM_001351500.2, NM_001351501.2 and 1 more transcripts); short protein forms G37R.
Identifiers: ClinVar variation 956762 (VCV000956762.5), dbSNP rs773884973, ClinGen allele CA5170313.

ClinVar aggregate classification (germline): Uncertain significance. Review status: criteria provided, multiple submitters, no conflicts (2 of 4 stars). 2 submissions from 2 submitters: Uncertain significance (2). Last evaluated 2022-10-17.

Conditions:
Walker-Warburg congenital muscular dystrophy. Also called: Muscular dystrophy-dystroglycanopathy, type A; Walker-Warburg syndrome. Identifiers: Orphanet 899, MedGen C0265221, MONDO:0000171.

Allele frequency attached by ClinVar (database versions not stated): gnomAD exomes below 0.00001 and 0.00001; TOPMed below 0.00001; ExAC 0.00001.
gnomAD v4.1: 2 of 1,611,366 alleles (0.00012%); highest among the groups gnomAD compares: Admixed American, 0.0033%; no homozygotes.

Submissions (2):

Labcorp Genetics (formerly Invitae), Labcorp
Classification: Uncertain significance for Walker-Warburg congenital muscular dystrophy. Last evaluated: 2022-10-17. Review status: criteria provided, single submitter. Criteria: Invitae Variant Classification Sherloc (09022015). Collection method: clinical testing. Allele origin: germline.
Comment: This sequence change replaces glycine, which is neutral and non-polar, with arginine, which is basic and polar, at codon 37 of the FKTN protein (p.Gly37Arg). This variant is present in population databases (rs773884973, gnomAD 0.006%). This variant has not been reported in the literature in individuals affected with FKTN-related conditions. ClinVar contains an entry for this variant (Variation ID: 956762). Advanced modeling of protein sequence and biophysical properties (such as structural, functional, and spatial information, amino acid conservation, physicochemical variation, residue mobility, and thermodynamic stability) performed at Invitae indicates that this missense variant is not expected to disrupt FKTN protein function. Algorithms developed to predict the effect of sequence changes on RNA splicing suggest that this variant may create or strengthen a splice site. In summary, the available evidence is currently insufficient to determine the role of this variant in disease. Therefore, it has been classified as a Variant of Uncertain Significance.

Revvity Omics, Revvity
Classification: Uncertain significance. Last evaluated: 2021-05-04. Review status: criteria provided, single submitter. Criteria: ACMG Guidelines, 2015. Collection method: clinical testing. Allele origin: germline.